The following is an entry in ClinVar:

NM_001135608.3(ARHGAP26):c.1692C>T (p.His564=)

Gene: ARHGAP26 (Rho GTPase activating protein 26; plus strand). Cytogenetic location: 5q31.3.
Variant type: single nucleotide variant.
Coding change: c.1692C>T on transcript NM_001135608.3 (MANE Select); coding-DNA position 1692, C replaced by T.
Protein change: p.His564=; no amino-acid change (histidine 564 retained).
Molecular consequence: synonymous variant. On other transcripts: non-coding transcript variant (1).
Genome position (GRCh38, 1-based): chr5:143,121,141, C>T. VCF-style: chr5-143121141-C-T. GRCh37 (hg19) VCF-style: chr5-142500706-C-T.
Other names: c.1584C>T, p.His528= (NM_001349547.2); c.1692C>T, p.His564= (NM_015071.6).
Identifiers: ClinVar variation 3058677 (VCV003058677.2), dbSNP rs112919594, ClinGen allele CA3486409.
Genomic context (GRCh38, chr5:143,121,141, plus strand): 5'-AGCAGCCATCATGGACATCAAATTTCAGAACATTGTCATTGAGATCCTAATAGAAAACCA[C>T]GAAAAGGTAATATGTAATTGATCACTTGCAGTGAAGAATGTACCTGGGGGGAAGCTGCAT-3'
Protein context (NP_001129080.1, residues 554-574): NIVIEILIEN[His564=]EKIFNTVPDM

ClinVar aggregate classification (germline): Likely benign (0 of 4 stars; one submission).

Conditions:
ARHGAP26-related disorder. Also called: ARHGAP26-related condition.

Allele frequency attached by ClinVar (database versions not stated): gnomAD exomes 0.00004; ExAC 0.00010; ESP Exome Variant Server 0.00023; gnomAD 0.00025; TOPMed 0.00027.
gnomAD v4.1: 97 of 1,612,176 alleles (0.006%); highest among the groups gnomAD compares: African/African-American, 0.095%; no homozygotes.

Submission:

PreventionGenetics, part of Exact Sciences
Classification: Likely benign for ARHGAP26-related condition. Last evaluated: 2019-03-26. Review status: no assertion criteria provided. Collection method: clinical testing. Allele origin: germline.
Comment: This variant is classified as likely benign based on ACMG/AMP sequence variant interpretation guidelines (Richards et al. 2015 PMID: 25741868, with internal and published modifications).